The following is an entry in ClinVar:

NM_052947.4(ALPK2):c.2617G>C (p.Val873Leu)

Gene: ALPK2 (alpha kinase 2; minus strand). Cytogenetic location: 18q21.31.
Variant type: single nucleotide variant.
Coding change: c.2617G>C on transcript NM_052947.4 (MANE Select); coding-DNA position 2617, G replaced by C.
Protein change: p.Val873Leu; replaces valine 873 with leucine.
Molecular consequence: missense variant.
Genome position (GRCh38, 1-based): chr18:58,537,570, C>G on the plus strand (G>C on the coding strand, the complement: ALPK2 is on the minus strand). VCF-style: chr18-58537570-C-G. GRCh37 (hg19) VCF-style: chr18-56204802-C-G.
Other names: short protein forms V873L.
Identifiers: ClinVar variation 2449243 (VCV002449243.2), dbSNP rs762985522, ClinGen allele CA402570146.

ClinVar aggregate classification (germline): Uncertain significance (1 of 4 stars; one submission).

gnomAD v4.1: 1 of 1,614,066 alleles (0.000062%); highest among the groups gnomAD compares: Non-Finnish European, 0.000085%; no homozygotes.

Submission:

Ambry Genetics
Classification: Uncertain significance. Last evaluated: 2022-12-26. Review status: criteria provided, single submitter. Criteria: Ambry Variant Classification Scheme 2023. Collection method: clinical testing. Allele origin: germline.
Comment: The p.V873L variant (also known as c.2617G>C), located in coding exon 4 of the ALPK2 gene, results from a G to C substitution at nucleotide position 2617. The valine at codon 873 is replaced by leucine, an amino acid with highly similar properties. This amino acid position is conserved. In addition, this alteration is predicted to be tolerated by in silico analysis. Since supporting evidence is limited at this time, the clinical significance of this alteration remains unclear.